The following is an entry in ClinVar:

NM_001792.5(CDH2):c.1759G>A (p.Gly587Arg)

Gene: CDH2 (cadherin 2; minus strand). Cytogenetic location: 18q12.1.
Variant type: single nucleotide variant.
Coding change: c.1759G>A on transcript NM_001792.5 (MANE Select); coding-DNA position 1759, G replaced by A.
Protein change: p.Gly587Arg; replaces glycine 587 with arginine.
Molecular consequence: missense variant.
Genome position (GRCh38, 1-based): chr18:27,985,744, C>T on the plus strand (G>A on the coding strand, the complement: CDH2 is on the minus strand). VCF-style: chr18-27985744-C-T. GRCh37 (hg19) VCF-style: chr18-25565708-C-T.
Other names: c.1666G>A, p.Gly556Arg (NM_001308176.2); short protein forms G556R, G587R.
Identifiers: ClinVar variation 1722190 (VCV001722190.5), dbSNP rs2510793321, ClinGen allele CA402107629.

ClinVar aggregate classification (germline): Uncertain significance (1 of 4 stars; one submission).

Submission:

Labcorp Genetics (formerly Invitae), Labcorp
Classification: Uncertain significance. Last evaluated: 2022-10-26. Review status: criteria provided, single submitter. Criteria: Invitae Variant Classification Sherloc (09022015). Collection method: clinical testing. Allele origin: germline.
Comment: This sequence change replaces glycine, which is neutral and non-polar, with arginine, which is basic and polar, at codon 587 of the CDH2 protein (p.Gly587Arg). This variant is not present in population databases (gnomAD no frequency). This variant has not been reported in the literature in individuals affected with CDH2-related conditions. Algorithms developed to predict the effect of missense changes on protein structure and function (SIFT, PolyPhen-2, Align-GVGD) all suggest that this variant is likely to be disruptive. In summary, the available evidence is currently insufficient to determine the role of this variant in disease. Therefore, it has been classified as a Variant of Uncertain Significance.